The following is an entry in ClinVar:

NM_001134407.3(GRIN2A):c.1471A>C (p.Asn491His)

Gene: GRIN2A (glutamate ionotropic receptor NMDA type subunit 2A; minus strand). Cytogenetic location: 16p13.2.
Variant type: single nucleotide variant.
Coding change: c.1471A>C on transcript NM_001134407.3 (MANE Select); coding-DNA position 1471, A replaced by C.
Protein change: p.Asn491His; replaces asparagine 491 with histidine.
Molecular consequence: missense variant.
Genome position (GRCh38, 1-based): chr16:9,840,962, T>G on the plus strand (A>C on the coding strand, the complement: GRIN2A is on the minus strand). VCF-style: chr16-9840962-T-G. GRCh37 (hg19) VCF-style: chr16-9934819-T-G.
Other names: c.1471A>C, p.Asn491His (NM_000833.5, NM_001134408.2); c.1471A>C (NM_000833.3); short protein forms N491H.
Identifiers: ClinVar variation 2750289 (VCV002750289.5), dbSNP rs1215472949, ClinGen allele CA394800576.

ClinVar aggregate classification (germline): Uncertain significance. Review status: criteria provided, multiple submitters, no conflicts (2 of 4 stars). 3 submissions from 3 submitters: Uncertain significance (3). Last evaluated 2024-07-01.

Conditions:
Landau-Kleffner syndrome (FESD). Also called: APHASIA, ACQUIRED, WITH EPILEPSY; EPILEPSY, FOCAL, WITH SPEECH DISORDER AND WITH OR WITHOUT MENTAL RETARDATION. Identifiers: Orphanet 1945, Orphanet 725, Orphanet 98818, MedGen C0282512, MONDO:0009509, OMIM 245570.

Submissions (3):

Blueprint Genetics
Classification: Uncertain significance. Last evaluated: 2024-07-01. Review status: criteria provided, single submitter. Criteria: ACMG Guidelines, 2015. Collection method: clinical testing. Allele origin: germline.

GeneDx
Classification: Uncertain significance. Last evaluated: 2023-12-28. Review status: criteria provided, single submitter. Criteria: GeneDx Variant Classification Process June 2021. Collection method: clinical testing. Allele origin: germline. Affected: yes.
Comment: Not observed at significant frequency in large population cohorts (gnomAD); In silico analysis supports that this missense variant has a deleterious effect on protein structure/function; Has not been previously published as pathogenic or benign to our knowledge

Labcorp Genetics (formerly Invitae), Labcorp
Classification: Uncertain significance for Landau-Kleffner syndrome. Last evaluated: 2023-08-04. Review status: criteria provided, single submitter. Criteria: Invitae Variant Classification Sherloc (09022015). Collection method: clinical testing. Allele origin: germline.
Comment: In summary, the available evidence is currently insufficient to determine the role of this variant in disease. Therefore, it has been classified as a Variant of Uncertain Significance. Advanced modeling of protein sequence and biophysical properties (such as structural, functional, and spatial information, amino acid conservation, physicochemical variation, residue mobility, and thermodynamic stability) performed at Invitae indicates that this missense variant is not expected to disrupt GRIN2A protein function. This variant has not been reported in the literature in individuals affected with GRIN2A-related conditions. This variant is not present in population databases (gnomAD no frequency). This sequence change replaces asparagine, which is neutral and polar, with histidine, which is basic and polar, at codon 491 of the GRIN2A protein (p.Asn491His).